The following is an entry in ClinVar:

ClinVar aggregate classification (germline): Uncertain significance (1 of 4 stars; one submission).

Allele frequency attached by ClinVar (database versions not stated): gnomAD exomes 0.00003; TOPMed 0.00003; ExAC 0.00006.
gnomAD v4.1: 83 of 1,598,020 alleles (0.0052%); highest among the groups gnomAD compares: Non-Finnish European, 0.007%; no homozygotes.

Submission:

Labcorp Genetics (formerly Invitae), Labcorp
Classification: Uncertain significance. Last evaluated: 2026-01-26. Review status: criteria provided, single submitter. Criteria: Invitae Variant Classification Sherloc (09022015). Collection method: clinical testing. Allele origin: germline.
Comment: This sequence change replaces aspartic acid, which is acidic and polar, with glutamic acid, which is acidic and polar, at codon 567 of the KIAA1549 protein (p.Asp567Glu). This variant is present in population databases (rs779927503, gnomAD 0.006%). This variant has not been reported in the literature in individuals affected with KIAA1549-related conditions. ClinVar contains an entry for this variant (Variation ID: 1055694). An algorithm developed to predict the effect of missense changes on protein structure and function (PolyPhen-2) suggests that this variant is likely to be tolerated. In summary, the available evidence is currently insufficient to determine the role of this variant in disease. Therefore, it has been classified as a Variant of Uncertain Significance.

NM_001164665.2(KIAA1549):c.1701C>G (p.Asp567Glu)

Gene: KIAA1549 (KIAA1549; minus strand). Cytogenetic location: 7q34.
Variant type: single nucleotide variant.
Coding change: c.1701C>G on transcript NM_001164665.2 (MANE Select); coding-DNA position 1701, C replaced by G.
Protein change: p.Asp567Glu; replaces aspartic acid 567 with glutamic acid.
Molecular consequence: missense variant.
Genome position (GRCh38, 1-based): chr7:138,917,925, G>C on the plus strand (C>G on the coding strand, the complement: KIAA1549 is on the minus strand). VCF-style: chr7-138917925-G-C. GRCh37 (hg19) VCF-style: chr7-138602671-G-C.
Other names: c.1701C>G, p.Asp567Glu (NM_020910.3); short protein forms D567E.
Identifiers: ClinVar variation 1055694 (VCV001055694.7), dbSNP rs779927503, ClinGen allele CA4506653.
Genomic context (GRCh38, chr7:138,917,925, plus strand): 5'-ACTCGGGTCTCTGACGGCAAGCGACGGTGTGTTTTTGTTTGCTATGACAGAGAAAGATGA[G>C]TCAAGGAGAATGCTGGTGATGACCGAGAAAAATGCAGTGGTCACGCTGGATGGCGTCACT-3'
Protein context (NP_001158137.1, residues 557-577): FFSVITSILL[Asp567Glu]SSFSVIANKN